The following is an entry in ClinVar:

ClinVar aggregate classification (germline): Pathogenic (1 of 4 stars; one submission).

Conditions:
Autosomal recessive severe congenital neutropenia due to CSF3R deficiency. Also called: Neutropenia, severe congenital, 7, autosomal recessive. Identifiers: Orphanet 420702, MedGen C4310764, MONDO:0014865, OMIM 617014.

Submission:

Labcorp Genetics (formerly Invitae), Labcorp
Classification: Pathogenic for Autosomal recessive severe congenital neutropenia due to CSF3R deficiency. Last evaluated: 2024-07-02. Review status: criteria provided, single submitter. Criteria: Invitae Variant Classification Sherloc (09022015). Collection method: clinical testing. Allele origin: germline.
Comment: This sequence change creates a premature translational stop signal (p.Val406Glyfs*7) in the CSF3R gene. It is expected to result in an absent or disrupted protein product. Loss-of-function variants in CSF3R are known to be pathogenic (PMID: 24753537, 26324699). This variant is not present in population databases (gnomAD no frequency). This variant has not been reported in the literature in individuals affected with CSF3R-related conditions. ClinVar contains an entry for this variant (Variation ID: 542855). For these reasons, this variant has been classified as Pathogenic.

Literature cited by the submitters: PubMed 24753537; PubMed 26324699.

NM_000760.4(CSF3R):c.1216dup (p.Val406fs)

Gene: CSF3R (colony stimulating factor 3 receptor; minus strand). Cytogenetic location: 1p34.3.
Variant type: Duplication.
Coding change: c.1216dup on transcript NM_000760.4 (MANE Select); coding-DNA position 1216, one base duplicated (G; older notation c.1216dupG).
Protein change: p.Val406fs; shifts the reading frame from valine 406.
Molecular consequence: frameshift variant.
Genome position (GRCh38, 1-based): chr1:36,471,502, C duplicated on the plus strand (G on the coding strand, the reverse complement: CSF3R is on the minus strand); the first of 2 consecutive C bases (chr1:36,471,502-36,471,503); duplicating either gives the same sequence. VCF-style (leftmost placement, unchanged base first): chr1-36471501-A-AC. GRCh37 (hg19) VCF-style: chr1-36937102-A-AC.
Other names: c.1216dupG (NM_000760.3); c.1216dup, p.Val406fs (NM_156039.3, NM_172313.3, LRG_144t1); short protein forms V406fs.
Identifiers: ClinVar variation 542855 (VCV000542855.6), dbSNP rs890101650, ClinGen allele CA20747729.